The following is an entry in ClinVar:

NM_032634.4(PIGO):c.2886C>G (p.Phe962Leu)

Gene: PIGO (phosphatidylinositol glycan anchor biosynthesis class O; minus strand). Cytogenetic location: 9p13.3.
Variant type: single nucleotide variant.
Coding change: c.2886C>G on transcript NM_032634.4 (MANE Select); coding-DNA position 2886, C replaced by G.
Protein change: p.Phe962Leu; replaces phenylalanine 962 with leucine.
Molecular consequence: missense variant.
Genome position (GRCh38, 1-based): chr9:35,090,249, G>C on the plus strand (C>G on the coding strand, the complement: PIGO is on the minus strand). VCF-style: chr9-35090249-G-C. GRCh37 (hg19) VCF-style: chr9-35090246-G-C.
Other names: c.1635C>G, p.Phe545Leu (NM_001201484.2, NM_152850.4); short protein forms F962L, F545L.
Identifiers: ClinVar variation 2181022 (VCV002181022.4), dbSNP rs1342382561, ClinGen allele CA373317964.
Genomic context (GRCh38, chr9:35,090,249, plus strand): 5'-GGCATCAGCTTCATTCCCTGGGGGCTGCTGTCTCTTCCGCAGCCCTTGACTCTCACACAG[G>C]AAAGGCCAGAGCAGGAGCAGTGGGCAACCTACTGCCTCAAGAGAGGGTATGGCTGGAATC-3'
Protein context (NP_116023.2, residues 952-972): VGCPLLLLWP[Phe962Leu]LCESQGLRKR

ClinVar aggregate classification (germline): Uncertain significance (1 of 4 stars; one submission).

Conditions:
Hyperphosphatasia with impaired intellectual development syndrome 2. Also called: Hyperphosphatasia with intellectual disability syndrome 2; GLYCOSYLPHOSPHATIDYLINOSITOL BIOSYNTHESIS DEFECT 6. Identifiers: Orphanet 247262, MedGen C3553637, MONDO:0013882, OMIM 614749.

gnomAD v4.1: 4 of 1,614,160 alleles (0.00025%); highest among the groups gnomAD compares: South Asian, 0.0011%; no homozygotes.

Submission:

Labcorp Genetics (formerly Invitae), Labcorp
Classification: Uncertain significance for Hyperphosphatasia with impaired intellectual development syndrome 2. Last evaluated: 2022-05-12. Review status: criteria provided, single submitter. Criteria: Invitae Variant Classification Sherloc (09022015). Collection method: clinical testing. Allele origin: germline.
Comment: This sequence change replaces phenylalanine, which is neutral and non-polar, with leucine, which is neutral and non-polar, at codon 962 of the PIGO protein (p.Phe962Leu). This variant is present in population databases (no rsID available, gnomAD 0.003%). This variant has not been reported in the literature in individuals affected with PIGO-related conditions. Algorithms developed to predict the effect of missense changes on protein structure and function (SIFT, PolyPhen-2, Align-GVGD) all suggest that this variant is likely to be tolerated. In summary, the available evidence is currently insufficient to determine the role of this variant in disease. Therefore, it has been classified as a Variant of Uncertain Significance.